The following is an entry in ClinVar:

ClinVar aggregate classification (germline): Uncertain significance (1 of 4 stars; one submission).

Allele frequency attached by ClinVar (database versions not stated): gnomAD exomes below 0.00001; TOPMed below 0.00001.
gnomAD v4.1: 2 of 1,612,460 alleles (0.00012%); highest among the groups gnomAD compares: East Asian, 0.0022%; no homozygotes.

Submission:

Labcorp Genetics (formerly Invitae), Labcorp
Classification: Uncertain significance. Last evaluated: 2024-01-16. Review status: criteria provided, single submitter. Criteria: Invitae Variant Classification Sherloc (09022015). Collection method: clinical testing. Allele origin: germline.
Comment: This sequence change replaces isoleucine, which is neutral and non-polar, with threonine, which is neutral and polar, at codon 22 of the HK1 protein (p.Ile22Thr). This variant is not present in population databases (gnomAD no frequency). This variant has not been reported in the literature in individuals affected with HK1-related conditions. An algorithm developed to predict the effect of missense changes on protein structure and function (PolyPhen-2) suggests that this variant is likely to be disruptive. In summary, the available evidence is currently insufficient to determine the role of this variant in disease. Therefore, it has been classified as a Variant of Uncertain Significance.

NM_000188.3(HK1):c.65T>C (p.Ile22Thr)

Gene: HK1 (hexokinase 1; plus strand). Cytogenetic location: 10q22.1.
Variant type: single nucleotide variant.
Coding change: c.65T>C on transcript NM_000188.3 (MANE Select); coding-DNA position 65, T replaced by C.
Protein change: p.Ile22Thr; replaces isoleucine 22 with threonine.
Molecular consequence: missense variant. On other transcripts: 5 prime UTR variant (1).
Genome position (GRCh38, 1-based): chr10:69,343,828, T>C. VCF-style: chr10-69343828-T-C. GRCh37 (hg19) VCF-style: chr10-71103584-T-C.
Other names: c.77T>C, p.Ile26Thr (NM_001322364.2, NM_001358263.1, NM_033497.3 and 1 more transcripts); c.170T>C, p.Ile57Thr (NM_001322365.2); c.-20T>C (NM_001322366.1); c.65T>C, p.Ile22Thr (NM_001322367.1); c.62T>C, p.Ile21Thr (NM_033496.3); c.29T>C, p.Ile10Thr (NM_033500.2); short protein forms I26T, I10T, I57T, I21T, I22T.
Identifiers: ClinVar variation 2696788 (VCV002696788.3), dbSNP rs1377839288, ClinGen allele CA376907319.
Genomic context (GRCh38, chr10:69,343,828, plus strand): 5'-CTCACCTTGCCCTGTCCTCCCCCTCGACCTCACTCTCCTTCCTTCTCATCCCCCTCCAGA[T>C]TGACAAGTATCTCTATGCCATGCGGCTCTCCGATGAAACTCTCATAGATATCATGACTCG-3'
Protein context (NP_000179.2, residues 12-32): TELKDDQVKK[Ile22Thr]DKYLYAMRLS